The following is an entry in ClinVar:

NM_001457.4(FLNB):c.6808C>T (p.His2270Tyr)

Gene: FLNB (filamin B; plus strand). Cytogenetic location: 3p14.3.
Variant type: single nucleotide variant.
Coding change: c.6808C>T on transcript NM_001457.4 (MANE Select); coding-DNA position 6808, C replaced by T.
Protein change: p.His2270Tyr; replaces histidine 2270 with tyrosine.
Molecular consequence: missense variant.
Genome position (GRCh38, 1-based): chr3:58,155,995, C>T. VCF-style: chr3-58155995-C-T. GRCh37 (hg19) VCF-style: chr3-58141722-C-T.
Other names: c.6901C>T, p.His2301Tyr (NM_001164317.2); c.6775C>T, p.His2259Tyr (NM_001164318.2); c.6736C>T, p.His2246Tyr (NM_001164319.2); short protein forms H2301Y, H2259Y, H2246Y, H2270Y.
Identifiers: ClinVar variation 4761963 (VCV004761963.1).

ClinVar aggregate classification (germline): Uncertain significance (1 of 4 stars; one submission).

Submission:

Labcorp Genetics (formerly Invitae), Labcorp
Classification: Uncertain significance. Last evaluated: 2025-08-13. Review status: criteria provided, single submitter. Criteria: Invitae Variant Classification Sherloc (09022015). Collection method: clinical testing. Allele origin: germline.
Comment: This sequence change replaces histidine, which is basic and polar, with tyrosine, which is neutral and polar, at codon 2270 of the FLNB protein (p.His2270Tyr). This variant is not present in population databases (gnomAD no frequency). This variant has not been reported in the literature in individuals affected with FLNB-related conditions. Invitae Evidence Modeling of protein sequence and biophysical properties (such as structural, functional, and spatial information, amino acid conservation, physicochemical variation, residue mobility, and thermodynamic stability) indicates that this missense variant is not expected to disrupt FLNB protein function with a negative predictive value of 95%. In summary, the available evidence is currently insufficient to determine the role of this variant in disease. Therefore, it has been classified as a Variant of Uncertain Significance.